The following is an entry in ClinVar:

NM_005655.4(KLF10):c.405del (p.Glu136fs)

Gene: KLF10 (KLF transcription factor 10; minus strand). Cytogenetic location: 8q22.3.
Variant type: Deletion.
Coding change: c.405del on transcript NM_005655.4 (MANE Select); coding-DNA position 405, one base deleted (A; older notation c.405delA).
Protein change: p.Glu136fs; shifts the reading frame from glutamic acid 136.
Molecular consequence: frameshift variant.
Genome position (GRCh38, 1-based): chr8:102,651,927, T deleted on the plus strand (A on the coding strand, the reverse complement: KLF10 is on the minus strand); the first of 3 consecutive T bases (chr8:102,651,927-102,651,929); deleting any one gives the same sequence. VCF-style (leftmost placement, unchanged base first): chr8-102651926-CT-C. GRCh37 (hg19) VCF-style: chr8-103664154-CT-C.
Other names: c.372del, p.Glu125fs (NM_001032282.4); short protein forms E125fs, E136fs.
Identifiers: ClinVar variation 4852815 (VCV004852815.1).

ClinVar aggregate classification (germline): Uncertain significance (1 of 4 stars; one submission).

Submission:

Clinical Genomics Laboratory, Stanford Medicine
Classification: Uncertain significance. Last evaluated: 2022-03-29. Review status: criteria provided, single submitter. Criteria: ACMG Guidelines, 2015. Collection method: clinical testing. Allele origin: germline. Observed: 1 variant allele, 1 heterozygote.
Comment: The p.Glu136Argfs*20 variant in the KLF10 gene has not been previously reported in association with disease. This variant was absent from large population databases, including the Genome Aggregation Database. This variant results in a 1bp deletion, which causes a shift in the protein reading frame, leading to a premature termination codon 20 amino acids downstream. Loss of KLF10 function is not currently an established mechanism of disease. These data were assessed using the ACMG/AMP variant interpretation guidelines. In summary, the significance of the p.Glu136Argfs*20 variant is uncertain. Additional information is needed to resolve the significance of this variant. [ACMG evidence codes used: PM2]